The following is an entry in ClinVar:

NM_000334.4(SCN4A):c.4608C>T (p.Ala1536=)

Genes: GH-LCR (growth hormone locus control region; plus strand), SCN4A (sodium voltage-gated channel alpha subunit 4; minus strand). Cytogenetic location: 17q23.3.
Variant type: single nucleotide variant.
Coding change: c.4608C>T on transcript NM_000334.4 (MANE Select); coding-DNA position 4608, C replaced by T.
Protein change: p.Ala1536=; no amino-acid change (alanine 1536 retained).
Molecular consequence: synonymous variant.
Genome position (GRCh38, 1-based): chr17:63,941,674, G>A on the plus strand (C>T on the coding strand, the complement: SCN4A is on the minus strand). VCF-style: chr17-63941674-G-A. GRCh37 (hg19) VCF-style: chr17-62019034-G-A.
Identifiers: ClinVar variation 706484 (VCV000706484.18), dbSNP rs764476134, ClinGen allele CA8708934.
Genomic context (GRCh38, chr17:63,941,674, plus strand): 5'-GTTGGGGTCACAGTCTGGGGGCCCGCTGTTGAGGATGGGGTTGAGGAGCCCGTCCCAGCC[G>A]GCCGACGTGGTGATCTCGAACAGGCAGATGATGCTGTTGCCGAAGGTCTCGAAGTTGAAC-3'
Protein context (NP_000325.4, residues 1526-1546): IICLFEITTS[Ala1536=]GWDGLLNPIL

ClinVar aggregate classification (germline): Likely benign. Review status: criteria provided, multiple submitters, no conflicts (2 of 4 stars). 3 submissions from 3 submitters: Likely benign (3). Last evaluated 2025-11-24.

Conditions:
Hyperkalemic periodic paralysis. Also called: Gamstorp disease; Familial hyperkalemic periodic paralysis. Identifiers: Orphanet 682, MedGen C0238357, MONDO:0008224, OMIM 170500, HP:0007215.

Allele frequency attached by ClinVar (database versions not stated): TOPMed below 0.00001; gnomAD 0.00001; gnomAD exomes 0.00001 and 0.00004; ExAC 0.00003.

Submissions (3):

Labcorp Genetics (formerly Invitae), Labcorp
Classification: Likely benign for Hyperkalemic periodic paralysis. Last evaluated: 2025-11-24. Review status: criteria provided, single submitter. Criteria: Invitae Variant Classification Sherloc (09022015). Collection method: clinical testing. Allele origin: germline.

CeGaT Center for Human Genetics Tuebingen
Classification: Likely benign. Last evaluated: 2025-03-01. Review status: criteria provided, single submitter. Criteria: CeGaT Center For Human Genetics Tuebingen Variant Classification Criteria Version 2. Collection method: clinical testing. Allele origin: germline. Affected: yes. Observed: 1 variant allele.
Comment: SCN4A: BP4, BP7

Blueprint Genetics
Classification: Likely benign. Last evaluated: 2019-12-11. Review status: criteria provided, single submitter. Criteria: ACMG Guidelines, 2015. Collection method: clinical testing. Allele origin: germline.